The following is an entry in ClinVar:

ClinVar aggregate classification (germline): Conflicting classifications of pathogenicity. Review status: criteria provided, conflicting classifications (1 of 4 stars). 3 submissions from 3 submitters: Uncertain significance (2); Likely benign (1). Last evaluated 2025-06-29.

Conditions:
Duchenne muscular dystrophy (DMD). Also called: MUSCULAR DYSTROPHY, PSEUDOHYPERTROPHIC PROGRESSIVE, DUCHENNE TYPE; Duchenne Muscular Dystrophy (DMD). Identifiers: Orphanet 98896, MedGen C0013264, MONDO:0010679, OMIM 310200.

Allele frequency attached by ClinVar (database versions not stated): ExAC 0.00001; gnomAD 0.00001; gnomAD exomes 0.00001; TOPMed 0.00002.
gnomAD v4.1: 12 of 1,209,044 alleles (0.00099%); highest among the groups gnomAD compares: Non-Finnish European, 0.001%; no homozygotes.

Submissions (3):

Labcorp Genetics (formerly Invitae), Labcorp
Classification: Likely benign for Duchenne muscular dystrophy. Last evaluated: 2025-06-29. Review status: criteria provided, single submitter. Criteria: Invitae Variant Classification Sherloc (09022015). Collection method: clinical testing. Allele origin: germline.

Athena Diagnostics
Classification: Uncertain significance. Last evaluated: 2023-10-13. Review status: criteria provided, single submitter. Criteria: Athena Diagnostics Criteria. Collection method: clinical testing. Allele origin: unknown.
Comment: Available data are insufficient to determine the clinical significance of the variant at this time. The frequency of this variant in the general population is uninformative in assessment of its pathogenicity. This variant has been seen where an alternate explanation for disease was also identified, suggesting this variant may not cause disease. Computational tools disagree on the variant's effect on normal protein function. According to published research, less than 2% of dystrophin-related disease is due to missense mutation (Flanigan, et al. 2009. Hum Mutat 30: 1657-66. PMID: 19937601).

GeneDx
Classification: Uncertain significance. Last evaluated: 2017-02-02. Review status: criteria provided, single submitter. Criteria: GeneDx Variant Classification (06012015). Collection method: clinical testing. Allele origin: germline. Affected: yes.
Comment: The L1717F variant in the DMD gene has not been reported previously as a pathogenic variant, nor as a benign variant, to our knowledge. The L1717F variant is not observed in large population cohorts (Lek et al., 2016; 1000 Genomes Consortium et al., 2015; Exome Variant Server). The L1717F variant is a conservative amino acid substitution, which is not likely to impact secondary protein structure as these residues share similar properties. This substitution occurs at a position where amino acids with similar properties to Leucine are tolerated across species. In silico analysis is inconsistent in its predictions as to whether or not the variant is damaging to the protein structure/function. We interpret L1717F as a variant of uncertain significance.

NM_004006.3(DMD):c.5149C>T (p.Leu1717Phe)

Gene: DMD (dystrophin; minus strand). Cytogenetic location: Xp21.1.
Variant type: single nucleotide variant.
Coding change: c.5149C>T on transcript NM_004006.3 (MANE Select); coding-DNA position 5149, C replaced by T.
Protein change: p.Leu1717Phe; replaces leucine 1717 with phenylalanine.
Molecular consequence: missense variant.
Genome position (GRCh38, 1-based): chrX:32,364,587, G>A on the plus strand (C>T on the coding strand, the complement: DMD is on the minus strand). VCF-style: chrX-32364587-G-A. GRCh37 (hg19) VCF-style: chrX-32382704-G-A.
Other names: c.5125C>T, p.Leu1709Phe (NM_000109.4); c.5137C>T, p.Leu1713Phe (NM_004009.3); c.4780C>T, p.Leu1594Phe (NM_004010.3); c.1126C>T, p.Leu376Phe (NM_004011.4); c.1117C>T, p.Leu373Phe (NM_004012.4); short protein forms L1717F, L1713F, L376F, L1594F, L373F, L1709F.
Identifiers: ClinVar variation 423086 (VCV000423086.6), dbSNP rs769383291, ClinGen allele CA10378765.